The following is an entry in ClinVar:

NM_031407.7(HUWE1):c.5279G>A (p.Arg1760Gln)

Gene: HUWE1 (HECT, UBA and WWE domain containing E3 ubiquitin protein ligase 1; minus strand). Cytogenetic location: Xp11.22.
Variant type: single nucleotide variant.
Coding change: c.5279G>A on transcript NM_031407.7 (MANE Select); coding-DNA position 5279, G replaced by A.
Protein change: p.Arg1760Gln; replaces arginine 1760 with glutamine.
Molecular consequence: missense variant.
Genome position (GRCh38, 1-based): chrX:53,583,799, C>T on the plus strand (G>A on the coding strand, the complement: HUWE1 is on the minus strand). VCF-style: chrX-53583799-C-T. GRCh37 (hg19) VCF-style: chrX-53610759-C-T.
Other names: short protein forms R1760Q.
Identifiers: ClinVar variation 3766077 (VCV003766077.1).
Genomic context (GRCh38, chrX:53,583,799, plus strand): 5'-CGAAGGGTGGCATGCAAAGTATCTGGGTCCACAGGGACTCCCAGCATGCTCACGCAGGCC[C>T]GGATTAAAACAGTCACCATATCTTCTGTCAAGCCCTGGATCAGGATCTCCCCGATTTTTG-3'
Protein context (NP_113584.3, residues 1750-1770): LTEDMVTVLI[Arg1760Gln]ACVSMLGVPV

ClinVar aggregate classification (germline): Uncertain significance (1 of 4 stars; one submission).

Submission:

GeneDx
Classification: Uncertain significance. Last evaluated: 2024-08-23. Review status: criteria provided, single submitter. Criteria: GeneDx Variant Classification Process June 2021. Collection method: clinical testing. Allele origin: germline. Affected: yes.
Comment: Not observed at significant frequency in large population cohorts (gnomAD); In silico analysis supports that this missense variant has a deleterious effect on protein structure/function; Has not been previously published as pathogenic or benign to our knowledge